The following is an entry in ClinVar:

NM_002691.4(POLD1):c.3182G>T (p.Cys1061Phe)

Gene: POLD1 (DNA polymerase delta 1, catalytic subunit; plus strand). Cytogenetic location: 19q13.33.
Variant type: single nucleotide variant.
Coding change: c.3182G>T on transcript NM_002691.4 (MANE Select); coding-DNA position 3182, G replaced by T.
Protein change: p.Cys1061Phe; replaces cysteine 1061 with phenylalanine.
Molecular consequence: missense variant. On other transcripts: non-coding transcript variant (1).
Genome position (GRCh38, 1-based): chr19:50,417,233, G>T. VCF-style: chr19-50417233-G-T. GRCh37 (hg19) VCF-style: chr19-50920490-G-T.
Other names: c.3182G>T, p.Cys1061Phe (NM_001256849.1); c.3260G>T, p.Cys1087Phe (NM_001308632.1); c.3182G>T (NM_002691.2); short protein forms C1061F, C1087F.
Identifiers: ClinVar variation 537028 (VCV000537028.9), dbSNP rs1555793669, ClinGen allele CA406987450.

ClinVar aggregate classification (germline): Uncertain significance. Review status: criteria provided, multiple submitters, no conflicts (2 of 4 stars). 2 submissions from 2 submitters: Uncertain significance (2). Last evaluated 2024-08-04.

Conditions:
Hereditary cancer-predisposing syndrome. Also called: Tumor predisposition; Neoplastic Syndromes, Hereditary; Hereditary Cancer Syndrome; Hereditary neoplastic syndrome. Identifiers: Orphanet 140162, MedGen C0027672, MeSH D009386, MONDO:0015356.
POLD1-related polyposis and colorectal cancer syndrome (CRCS10). Also called: Colorectal cancer 10; COLORECTAL CANCER, SUSCEPTIBILITY TO, ON CHROMOSOME 19q; Colorectal cancer, susceptibility to, 10. Identifiers: Orphanet 220460, MedGen C2675481, MONDO:0012953, OMIM 612591.

Submissions (2):

Ambry Genetics
Classification: Uncertain significance for Hereditary cancer-predisposing syndrome. Last evaluated: 2024-08-04. Review status: criteria provided, single submitter. Criteria: Ambry Variant Classification Scheme 2023. Collection method: clinical testing. Allele origin: germline.
Comment: The p.C1061F variant (also known as c.3182G>T), located in coding exon 25 of the POLD1 gene, results from a G to T substitution at nucleotide position 3182. The cysteine at codon 1061 is replaced by phenylalanine, an amino acid with highly dissimilar properties. This amino acid position is conserved. In addition, this alteration is predicted to be deleterious by in silico analysis. Based on the available evidence, the clinical significance of this variant remains unclear.

Labcorp Genetics (formerly Invitae), Labcorp
Classification: Uncertain significance for POLD1-related polyposis and colorectal cancer syndrome. Last evaluated: 2017-12-26. Review status: criteria provided, single submitter. Criteria: Invitae Variant Classification Sherloc (09022015). Collection method: clinical testing. Allele origin: germline.
Comment: In summary, the available evidence is currently insufficient to determine the role of this variant in disease. Therefore, it has been classified as a Variant of Uncertain Significance. Algorithms developed to predict the effect of missense changes on protein structure and function do not agree on the potential impact of this missense change (SIFT: "Deleterious"; PolyPhen-2: "Probably Damaging"; Align-GVGD: "Class C0"). This variant has not been reported in the literature in individuals with POLD1-related disease. This variant is not present in population databases (ExAC no frequency). This sequence change replaces cysteine with phenylalanine at codon 1061 of the POLD1 protein (p.Cys1061Phe). The cysteine residue is highly conserved and there is a large physicochemical difference between cysteine and phenylalanine.